The following is an entry in ClinVar:

ClinVar aggregate classification (germline): Uncertain significance (1 of 4 stars; one submission).

Submission:

Ambry Genetics
Classification: Uncertain significance. Last evaluated: 2025-05-17. Review status: criteria provided, single submitter. Criteria: Ambry Variant Classification Scheme 2023. Collection method: clinical testing. Allele origin: germline.
Comment: The p.D768V variant (also known as c.2303A>T), located in coding exon 1 of the TET2 gene, results from an A to T substitution at nucleotide position 2303. The aspartic acid at codon 768 is replaced by valine, an amino acid with highly dissimilar properties. This amino acid position is conserved. In addition, this alteration is predicted to be tolerated by in silico analysis. Based on the available evidence, the clinical significance of this variant remains unclear.

NM_001127208.3(TET2):c.2303A>T (p.Asp768Val)

Genes: TET2 (tet methylcytosine dioxygenase 2; plus strand), TET2-AS1 (TET2 antisense RNA 1; minus strand). Cytogenetic location: 4q24.
Variant type: single nucleotide variant.
Coding change: c.2303A>T on transcript NM_001127208.3 (MANE Select); coding-DNA position 2303, A replaced by T.
Protein change: p.Asp768Val; replaces aspartic acid 768 with valine.
Molecular consequence: missense variant.
Genome position (GRCh38, 1-based): chr4:105,236,245, A>T. VCF-style: chr4-105236245-A-T. GRCh37 (hg19) VCF-style: chr4-106157402-A-T.
Other names: c.2303A>T, p.Asp768Val (NM_017628.4); short protein forms D768V.
Identifiers: ClinVar variation 3967643 (VCV003967643.1).